The following is an entry in ClinVar:

ClinVar aggregate classification (germline): Likely benign. Review status: criteria provided, multiple submitters, no conflicts (2 of 4 stars). 2 submissions from 2 submitters: Likely benign (2). Last evaluated 2025-04-01.

gnomAD v4.1: 53 of 1,614,118 alleles (0.0033%); highest among the groups gnomAD compares: Middle Eastern, 0.033%; no homozygotes.

Submissions (2):

CeGaT Center for Human Genetics Tuebingen
Classification: Likely benign. Last evaluated: 2025-04-01. Review status: criteria provided, single submitter. Criteria: CeGaT Center For Human Genetics Tuebingen Variant Classification Criteria Version 2. Collection method: clinical testing. Allele origin: germline. Affected: yes. Observed: 1 variant allele.
Comment: TRIOBP: BP4, BP7

Blueprint Genetics
Classification: Likely benign. Last evaluated: 2022-11-02. Review status: criteria provided, single submitter. Criteria: ACMG Guidelines, 2015. Collection method: clinical testing. Allele origin: germline.

NM_001039141.3(TRIOBP):c.6951C>T (p.Thr2317=)

Gene: TRIOBP (TRIO and F-actin binding protein; plus strand). Cytogenetic location: 22q13.1.
Variant type: single nucleotide variant.
Coding change: c.6951C>T on transcript NM_001039141.3 (MANE Select); coding-DNA position 6951, C replaced by T.
Protein change: p.Thr2317=; no amino-acid change (threonine 2317 retained).
Molecular consequence: synonymous variant.
Genome position (GRCh38, 1-based): chr22:37,772,615, C>T. VCF-style: chr22-37772615-C-T. GRCh37 (hg19) VCF-style: chr22-38168622-C-T.
Other names: c.1812C>T, p.Thr604= (NM_007032.5).
Identifiers: ClinVar variation 3898278 (VCV003898278.8).